The following is an entry in ClinVar:

NM_018131.5(CEP55):c.5C>T (p.Ser2Phe)

Gene: CEP55 (centrosomal protein 55; plus strand). Cytogenetic location: 10q23.33.
Variant type: single nucleotide variant.
Coding change: c.5C>T on transcript NM_018131.5 (MANE Select); coding-DNA position 5, C replaced by T.
Protein change: p.Ser2Phe; replaces serine 2 with phenylalanine.
Molecular consequence: missense variant.
Genome position (GRCh38, 1-based): chr10:93,500,056, C>T. VCF-style: chr10-93500056-C-T. GRCh37 (hg19) VCF-style: chr10-95259813-C-T.
Other names: c.5C>T, p.Ser2Phe (NM_001127182.2); short protein forms S2F.
Identifiers: ClinVar variation 2482790 (VCV002482790.4), dbSNP rs1012047533, ClinGen allele CA211532063.

ClinVar aggregate classification (germline): Uncertain significance. Review status: criteria provided, multiple submitters, no conflicts (2 of 4 stars). 2 submissions from 2 submitters: Uncertain significance (2). Last evaluated 2025-03-06.

Conditions:
Inborn genetic diseases. Identifiers: MedGen C0950123, MeSH D030342.

Allele frequency attached by ClinVar (database versions not stated): TOPMed 0.00004; gnomAD 0.00003; gnomAD exomes 0.00003.
gnomAD v4.1: 52 of 1,601,462 alleles (0.0032%); highest among the groups gnomAD compares: Non-Finnish European, 0.0044%; no homozygotes.

Submissions (2):

Labcorp Genetics (formerly Invitae), Labcorp
Classification: Uncertain significance. Last evaluated: 2025-03-06. Review status: criteria provided, single submitter. Criteria: Invitae Variant Classification Sherloc (09022015). Collection method: clinical testing. Allele origin: germline.
Comment: This sequence change replaces serine, which is neutral and polar, with phenylalanine, which is neutral and non-polar, at codon 2 of the CEP55 protein (p.Ser2Phe). This variant is present in population databases (no rsID available, gnomAD 0.003%). This variant has not been reported in the literature in individuals affected with CEP55-related conditions. ClinVar contains an entry for this variant (Variation ID: 2482790). An algorithm developed to predict the effect of missense changes on protein structure and function (PolyPhen-2) suggests that this variant is likely to be tolerated. In summary, the available evidence is currently insufficient to determine the role of this variant in disease. Therefore, it has been classified as a Variant of Uncertain Significance.

Ambry Genetics
Classification: Uncertain significance for Inborn genetic diseases. Last evaluated: 2023-02-10. Review status: criteria provided, single submitter. Criteria: Ambry Variant Classification Scheme 2023. Collection method: clinical testing. Allele origin: germline.